The following is an entry in ClinVar:

ClinVar aggregate classification (germline): Uncertain significance (1 of 4 stars; one submission).

Conditions:
Inborn genetic diseases. Identifiers: MedGen C0950123, MeSH D030342.

gnomAD v4.1: 4 of 1,613,380 alleles (0.00025%); highest among the groups gnomAD compares: Non-Finnish European, 0.00025%; no homozygotes.

Submission:

Ambry Genetics
Classification: Uncertain significance for Inborn genetic diseases. Last evaluated: 2026-08-15. Review status: criteria provided, single submitter. Criteria: Ambry Variant Classification Scheme 2023. Collection method: clinical testing. Allele origin: germline.
Comment: The p.N1387S variant (also known as c.4160A>G), located in coding exon 1 of the SAMD9L gene, results from an A to G substitution at nucleotide position 4160. The asparagine at codon 1387 is replaced by serine, an amino acid with highly similar properties. This amino acid position is conserved. In addition, this alteration is predicted to be tolerated by in silico analysis. Based on the available evidence, the clinical significance of this variant remains unclear.

NM_152703.5(SAMD9L):c.4160A>G (p.Asn1387Ser)

Gene: SAMD9L (sterile alpha motif domain containing 9 like; minus strand). Cytogenetic location: 7q21.2.
Variant type: single nucleotide variant.
Coding change: c.4160A>G on transcript NM_152703.5 (MANE Select); coding-DNA position 4160, A replaced by G.
Protein change: p.Asn1387Ser; replaces asparagine 1387 with serine.
Molecular consequence: missense variant.
Genome position (GRCh38, 1-based): chr7:93,131,812, T>C on the plus strand (A>G on the coding strand, the complement: SAMD9L is on the minus strand). VCF-style: chr7-93131812-T-C. GRCh37 (hg19) VCF-style: chr7-92761125-T-C.
Other names: c.4160A>G, p.Asn1387Ser (NM_001303496.3, NM_001303497.3, NM_001303498.3 and 5 more transcripts); short protein forms N1387S.
Identifiers: ClinVar variation 5028950 (VCV005028950.1).
Genomic context (GRCh38, chr7:93,131,812, plus strand): 5'-TTTAGCGTGGTAAGTGGTTGAATTAACTTGGAGTTGGGCTTTAGACAACTCAGAATAATG[T>C]TGGCCAAAATGGAATTTTGTTTCTCATTTGTCATGGGCTTTTTTGAGTTTTGCTGCAGTA-3'
Protein context (NP_689916.2, residues 1377-1397): TNEKQNSILA[Asn1387Ser]IILSCLKPNS